The following is an entry in ClinVar:

NM_000092.5(COL4A4):c.1232G>C (p.Gly411Ala)

Gene: COL4A4 (collagen type IV alpha 4 chain; minus strand). Cytogenetic location: 2q36.3.
Variant type: single nucleotide variant.
Coding change: c.1232G>C on transcript NM_000092.5 (MANE Select); coding-DNA position 1232, G replaced by C.
Protein change: p.Gly411Ala; replaces glycine 411 with alanine.
Molecular consequence: missense variant.
Genome position (GRCh38, 1-based): chr2:227,094,262, C>G on the plus strand (G>C on the coding strand, the complement: COL4A4 is on the minus strand). VCF-style: chr2-227094262-C-G. GRCh37 (hg19) VCF-style: chr2-227958978-C-G.
Other names: short protein forms G411A.
Identifiers: ClinVar variation 3902227 (VCV003902227.1).
Genomic context (GRCh38, chr2:227,094,262, plus strand): 5'-GCAGAATCAGGTCTCCCAGGAATACCAGCTTCTCCTGGAAGCCCAGGAAGACCAGGAAAT[C>G]CTTGTGGCCCAGGGGGTCCTATCATGCCTGCAAGATAAATCAAGAATGAAAATTACATAT-3'
Protein context (NP_000083.3, residues 401-421): AGMIGPPGPQ[Gly411Ala]FPGLPGLPGE

ClinVar aggregate classification (germline): Uncertain significance (1 of 4 stars; one submission).

Submission:

Women's Health and Genetics/Laboratory Corporation of America, LabCorp
Classification: Uncertain significance. Last evaluated: 2025-05-14. Review status: criteria provided, single submitter. Criteria: LabCorp Variant Classification Summary - May 2015. Collection method: clinical testing. Allele origin: germline.
Comment: Variant summary: COL4A4 c.1232G>C (p.Gly411Ala) results in a non-conservative amino acid change in the encoded protein sequence. Algorithms developed to predict the effect of missense changes on protein structure and function all suggest that this variant is likely to be disruptive. The variant was absent in 248792 control chromosomes. The available data on variant occurrences in the general population are insufficient to allow any conclusion about variant significance. To our knowledge, no occurrence of c.1232G>C in individuals affected with Alport Syndrome, Autosomal Recessive and no experimental evidence demonstrating its impact on protein function have been reported. No submitters have cited clinical-significance assessments for this variant to ClinVar. Based on the evidence outlined above, the variant was classified as uncertain significance.